The following is an entry in ClinVar:

NM_032444.4(SLX4):c.2261A>G (p.Tyr754Cys)

Gene: SLX4 (SLX4 structure-specific endonuclease subunit; minus strand). Cytogenetic location: 16p13.3.
Variant type: single nucleotide variant.
Coding change: c.2261A>G on transcript NM_032444.4 (MANE Select); coding-DNA position 2261, A replaced by G.
Protein change: p.Tyr754Cys; replaces tyrosine 754 with cysteine.
Molecular consequence: missense variant.
Genome position (GRCh38, 1-based): chr16:3,592,765, T>C on the plus strand (A>G on the coding strand, the complement: SLX4 is on the minus strand). VCF-style: chr16-3592765-T-C. GRCh37 (hg19) VCF-style: chr16-3642766-T-C.
Other names: short protein forms Y754C.
Identifiers: ClinVar variation 963254 (VCV000963254.10), dbSNP rs771002901, ClinGen allele CA7866215.

ClinVar aggregate classification (germline): Uncertain significance. Review status: criteria provided, multiple submitters, no conflicts (2 of 4 stars). 2 submissions from 2 submitters: Uncertain significance (2). Last evaluated 2024-04-02.

Conditions:
Fanconi anemia (FA). Also called: Fanconi's anemia. Identifiers: Orphanet 84, MedGen C0015625, MeSH D005199, MONDO:0019391.
Fanconi anemia complementation group P. Also called: SLX4-Related Fanconi Anemia. Identifiers: Orphanet 84, MedGen C3469542, MONDO:0013499, OMIM 613951.

Allele frequency attached by ClinVar (database versions not stated): gnomAD below 0.00001 and 0.00001; ExAC 0.00003; gnomAD exomes 0.00004.

Submissions (2):

Fulgent Genetics
Classification: Uncertain significance for Fanconi anemia complementation group P. Last evaluated: 2024-04-02. Review status: criteria provided, single submitter. Criteria: ACMG Guidelines, 2015. Collection method: clinical testing. Allele origin: germline.

Labcorp Genetics (formerly Invitae), Labcorp
Classification: Uncertain significance for Fanconi anemia. Last evaluated: 2022-05-24. Review status: criteria provided, single submitter. Criteria: Invitae Variant Classification Sherloc (09022015). Collection method: clinical testing. Allele origin: germline.
Comment: This variant is present in population databases (rs771002901, gnomAD 0.03%). This sequence change replaces tyrosine, which is neutral and polar, with cysteine, which is neutral and slightly polar, at codon 754 of the SLX4 protein (p.Tyr754Cys). This variant has not been reported in the literature in individuals affected with SLX4-related conditions. In summary, the available evidence is currently insufficient to determine the role of this variant in disease. Therefore, it has been classified as a Variant of Uncertain Significance. Algorithms developed to predict the effect of missense changes on protein structure and function are either unavailable or do not agree on the potential impact of this missense change (SIFT: "Deleterious"; PolyPhen-2: "Probably Damaging"; Align-GVGD: "Class C0"). ClinVar contains an entry for this variant (Variation ID: 963254).